The following is an entry in ClinVar:

ClinVar aggregate classification (germline): Uncertain significance. Review status: criteria provided, multiple submitters, no conflicts (2 of 4 stars). 2 submissions from 2 submitters: Uncertain significance (2). Last evaluated 2024-01-19.

Conditions:
Hereditary diffuse gastric adenocarcinoma (HDGC). Also called: DIFFUSE GASTRIC AND LOBULAR BREAST CANCER SYNDROME. Identifiers: Orphanet 26106, MedGen C1708349, MONDO:0007648, OMIM 137215.
Hereditary cancer-predisposing syndrome. Also called: Neoplastic Syndromes, Hereditary; Hereditary neoplastic syndrome; Hereditary Cancer Syndrome; Tumor predisposition. Identifiers: Orphanet 140162, MedGen C0027672, MeSH D009386, MONDO:0015356.

Submissions (2):

Ambry Genetics
Classification: Uncertain significance for Hereditary cancer-predisposing syndrome. Last evaluated: 2024-01-19. Review status: criteria provided, single submitter. Criteria: Ambry Variant Classification Scheme 2023. Collection method: clinical testing. Allele origin: germline.
Comment: The p.Y861D variant (also known as c.2581T>G), located in coding exon 16 of the CDH1 gene, results from a T to G substitution at nucleotide position 2581. The tyrosine at codon 861 is replaced by aspartic acid, an amino acid with highly dissimilar properties. This amino acid position is conserved. In addition, this alteration is predicted to be deleterious by in silico analysis. Based on the available evidence, the clinical significance of this alteration remains unclear.

Labcorp Genetics (formerly Invitae), Labcorp
Classification: Uncertain significance for Hereditary diffuse gastric adenocarcinoma. Last evaluated: 2022-04-12. Review status: criteria provided, single submitter. Criteria: Invitae Variant Classification Sherloc (09022015). Collection method: clinical testing. Allele origin: germline.
Comment: In summary, the available evidence is currently insufficient to determine the role of this variant in disease. Therefore, it has been classified as a Variant of Uncertain Significance. Algorithms developed to predict the effect of missense changes on protein structure and function are either unavailable or do not agree on the potential impact of this missense change (SIFT: "Tolerated"; PolyPhen-2: "Probably Damaging"; Align-GVGD: "Class C0"). ClinVar contains an entry for this variant (Variation ID: 654264). This variant has not been reported in the literature in individuals affected with CDH1-related conditions. This variant is not present in population databases (gnomAD no frequency). This sequence change replaces tyrosine, which is neutral and polar, with aspartic acid, which is acidic and polar, at codon 861 of the CDH1 protein (p.Tyr861Asp).

NM_004360.5(CDH1):c.2581T>G (p.Tyr861Asp)

Gene: CDH1 (cadherin 1; plus strand). Cytogenetic location: 16q22.1.
Variant type: single nucleotide variant.
Coding change: c.2581T>G on transcript NM_004360.5 (MANE Select); coding-DNA position 2581, T replaced by G.
Protein change: p.Tyr861Asp; replaces tyrosine 861 with aspartic acid.
Molecular consequence: missense variant.
Genome position (GRCh38, 1-based): chr16:68,833,431, T>G. VCF-style: chr16-68833431-T-G. GRCh37 (hg19) VCF-style: chr16-68867334-T-G.
Other names: c.2581T>G (LRG_301t1); c.2398T>G, p.Tyr800Asp (NM_001317184.2); c.1033T>G, p.Tyr345Asp (NM_001317185.2); c.616T>G, p.Tyr206Asp (NM_001317186.2); short protein forms Y206D, Y800D, Y345D, Y861D.
Identifiers: ClinVar variation 654264 (VCV000654264.10), dbSNP rs1185746867, ClinGen allele CA396472563.
Genomic context (GRCh38, chr16:68,833,431, plus strand): 5'-GAAGCTGCTAGTCTGAGCTCCCTGAACTCCTCAGAGTCAGACAAAGACCAGGACTATGAC[T>G]ACTTGAACGAATGGGGCAATCGCTTCAAGAAGCTGGCTGACATGTACGGAGGCGGCGAGG-3'
Protein context (NP_004351.1, residues 851-871): SESDKDQDYD[Tyr861Asp]LNEWGNRFKK